The following is an entry in ClinVar:

ClinVar aggregate classification (germline): Likely benign. Review status: criteria provided, multiple submitters, no conflicts (2 of 4 stars). 7 submissions from 7 submitters: Likely benign (7). Last evaluated 2026-09-01.

Conditions:
Catecholaminergic polymorphic ventricular tachycardia (CVPT). Also called: Catecholamine-induced polymorphic ventricular tachycardia. Identifiers: Orphanet 3286, MedGen C5574922, MONDO:0017990.
Catecholaminergic polymorphic ventricular tachycardia 1. Also called: VENTRICULAR TACHYCARDIA, STRESS-INDUCED POLYMORPHIC 1; VENTRICULAR TACHYCARDIA, CATECHOLAMINERGIC POLYMORPHIC, 1, WITH OR WITHOUT ATRIAL DYSFUNCTION AND/OR DILATED CARDIOMYOPATHY; RYR2-Related Catecholaminergic Polymorphic Ventricular Tachycardia. Identifiers: Orphanet 3286, MedGen C1631597, MONDO:0011484, OMIM 604772.
Cardiovascular phenotype. Identifiers: MedGen CN230736.
Cardiomyopathy (CMYO). Also called: Cardiomyopathies. Identifiers: Orphanet 167848, MedGen C0878544, MONDO:0004994, HP:0001638. Inheritance: Various modes of inheritance.

Allele frequency attached by ClinVar (database versions not stated): gnomAD 0.00001; 1000 Genomes Project 0.00020; 1000 Genomes Project 30x 0.00031.
gnomAD v4.1: 13 of 1,614,032 alleles (0.00081%); highest among the groups gnomAD compares: Admixed American, 0.0083%; no homozygotes.

Submissions (7):

CeGaT Center for Human Genetics Tuebingen
Classification: Likely benign. Last evaluated: 2026-09-01. Review status: criteria provided, single submitter. Criteria: CeGaT Center For Human Genetics Tuebingen Variant Classification Criteria Version 2. Collection method: clinical testing. Allele origin: germline. Affected: yes. Observed: 3 variant alleles.
Comment: RYR2: BP4, BP7

Ambry Genetics
Classification: Likely benign for Cardiovascular phenotype. Last evaluated: 2025-05-18. Review status: criteria provided, single submitter. Criteria: Ambry Variant Classification Scheme 2023. Collection method: clinical testing. Allele origin: germline.

Molecular Diagnostic Laboratory for Inherited Cardiovascular Disease, Montreal Heart Institute
Classification: Likely benign. Last evaluated: 2025-04-09. Review status: criteria provided, single submitter. Criteria: ACMG Guidelines, 2015. Collection method: clinical testing. Allele origin: germline. Affected: no.

Labcorp Genetics (formerly Invitae), Labcorp
Classification: Likely benign for Catecholaminergic polymorphic ventricular tachycardia 1. Last evaluated: 2024-09-12. Review status: criteria provided, single submitter. Criteria: Invitae Variant Classification Sherloc (09022015). Collection method: clinical testing. Allele origin: germline.

All of Us Research Program, National Institutes of Health
Classification: Likely benign for Catecholaminergic polymorphic ventricular tachycardia. Last evaluated: 2023-08-14. Review status: criteria provided, single submitter. Criteria: ACMG Guidelines, 2015. Collection method: clinical testing. Allele origin: germline. Inheritance: Autosomal dominant inheritance. Observed: 2 variant alleles, 2 heterozygotes.
Comment: This study involves interpretation of variants in research participants for the purpose of population health screening. Participant phenotype was not available at the time of variant classification. Additional details can be found in publication PMID: 35346344, PMCID: PMC8962531

Phosphorus, Inc.
Classification: Likely benign. Last evaluated: 2022-01-14. Review status: criteria provided, single submitter. Criteria: ACMG Guidelines, 2015. Collection method: clinical testing. Allele origin: germline. Inheritance: Autosomal dominant inheritance.
Comment: This synonymous variant has an entry in ClinVar (629414) NM_001035.3 (RYR2): c.5298C>T (p.Pro1766=) and has not occurred in population databases. This position is not conserved. In silico splicing algorithm was unavailable, however it is not predicted to impact splicing due to its distance from the splice site. No functional studies were performed to confirm this prediction. The variant has not occurred in literature associated with disease. Considering the above evidence, this variant has been classified as Likely Benign.

Color Diagnostics, LLC DBA Color Health
Classification: Likely benign for Cardiomyopathy. Last evaluated: 2018-09-28. Review status: criteria provided, single submitter. Criteria: ACMG Guidelines, 2015. Collection method: clinical testing. Allele origin: germline.

NM_001035.3(RYR2):c.5298C>T (p.Pro1766=)

Gene: RYR2 (ryanodine receptor 2; plus strand). Cytogenetic location: 1q43.
Variant type: single nucleotide variant.
Coding change: c.5298C>T on transcript NM_001035.3 (MANE Select); coding-DNA position 5298, C replaced by T.
Protein change: p.Pro1766=; no amino-acid change (proline 1766 retained).
Molecular consequence: synonymous variant.
Genome position (GRCh38, 1-based): chr1:237,614,426, C>T. VCF-style: chr1-237614426-C-T. GRCh37 (hg19) VCF-style: chr1-237777726-C-T.
Other names: c.5298C>T, p.Pro1766= (LRG_402t1).
Identifiers: ClinVar variation 629414 (VCV000629414.22), dbSNP rs570743152, ClinGen allele CA39828247.
Genomic context (GRCh38, chr1:237,614,426, plus strand): 5'-CGGCCTTCCAGGGATCGGCCTCAGCACCTCCCTCAGGCCACGGATGCAGTTTTCCTCCCC[C>T]AGTTTTGTAAGCATTAGTAATGAATGTTACCAGTACAGTCCAGAGTTCCCACTGGACATC-3'
Protein context (NP_001026.2, residues 1756-1776): SLRPRMQFSS[Pro1766=]SFVSISNECY